The following is an entry in ClinVar:

NM_177438.3(DICER1):c.784G>C (p.Asp262His)

Gene: DICER1 (dicer 1, ribonuclease III; minus strand). Cytogenetic location: 14q32.13.
Variant type: single nucleotide variant.
Coding change: c.784G>C on transcript NM_177438.3 (MANE Select); coding-DNA position 784, G replaced by C.
Protein change: p.Asp262His; replaces aspartic acid 262 with histidine.
Molecular consequence: missense variant. On other transcripts: 5 prime UTR variant (1), non-coding transcript variant (6).
Genome position (GRCh38, 1-based): chr14:95,126,699, C>G on the plus strand (G>C on the coding strand, the complement: DICER1 is on the minus strand). VCF-style: chr14-95126699-C-G. GRCh37 (hg19) VCF-style: chr14-95593036-C-G.
Other names: c.784G>C, p.Asp262His (NM_001195573.1, NM_001271282.3, NM_001291628.2 and 15 more transcripts); c.502G>C, p.Asp168His (NM_001395686.1); c.379G>C, p.Asp127His (NM_001395687.1, NM_001395688.1, NM_001395689.1 and 3 more transcripts); c.217G>C, p.Asp73His (NM_001395691.1); c.-785G>C (NM_001395697.1); short protein forms D168H, D262H, D127H, D73H.
Identifiers: ClinVar variation 2147960 (VCV002147960.4), dbSNP rs2543230841, ClinGen allele CA390887792.

ClinVar aggregate classification (germline): Uncertain significance (1 of 4 stars; one submission).

Conditions:
DICER1-related tumor predisposition. Also called: DICER1-related pleuropulmonary blastoma cancer predisposition syndrome; DICER1 syndrome. Identifiers: Orphanet 284343, MedGen C3839822, MONDO:0100216.

Submission:

Labcorp Genetics (formerly Invitae), Labcorp
Classification: Uncertain significance for DICER1-related tumor predisposition. Last evaluated: 2022-03-28. Review status: criteria provided, single submitter. Criteria: Invitae Variant Classification Sherloc (09022015). Collection method: clinical testing. Allele origin: germline.
Comment: This variant is not present in population databases (gnomAD no frequency). In summary, the available evidence is currently insufficient to determine the role of this variant in disease. Therefore, it has been classified as a Variant of Uncertain Significance. Algorithms developed to predict the effect of missense changes on protein structure and function are either unavailable or do not agree on the potential impact of this missense change (SIFT: "Deleterious"; PolyPhen-2: "Probably Damaging"; Align-GVGD: "Class C0"). This variant has not been reported in the literature in individuals affected with DICER1-related conditions. This sequence change replaces aspartic acid, which is acidic and polar, with histidine, which is basic and polar, at codon 262 of the DICER1 protein (p.Asp262His).